The following is an entry in ClinVar:

NM_001042492.3(NF1):c.8205del (p.Asp2736fs)

Gene: NF1 (neurofibromin 1; plus strand). Cytogenetic location: 17q11.2.
Variant type: Deletion.
Coding change: c.8205del on transcript NM_001042492.3 (MANE Select); coding-DNA position 8205, one base deleted (T; older notation c.8205delT).
Protein change: p.Asp2736fs; shifts the reading frame from aspartic acid 2736.
Molecular consequence: frameshift variant.
Genome position (GRCh38, 1-based): chr17:31,360,531, T deleted; the last of 2 consecutive T bases (chr17:31,360,530-31,360,531); deleting either gives the same sequence. VCF-style (leftmost placement, unchanged base first): chr17-31360529-CT-C. GRCh37 (hg19) VCF-style: chr17-29687547-CT-C.
Other names: c.8142delT, p.Asp2715Metfs (NM_000267.4); short protein forms D2715fs, D2736fs.
Identifiers: ClinVar variation 3728355 (VCV003728355.2).

ClinVar aggregate classification (germline): Pathogenic (1 of 4 stars; one submission).

Conditions:
Neurofibromatosis, type 1 (NF1). Also called: NEUROFIBROMATOSIS, TYPE I, SOMATIC; Peripheral type neurofibromatosis; Neurofibromatosis, type I; VON RECKLINGHAUSEN DISEASE. Identifiers: Orphanet 636, MedGen C0027831, MONDO:0018975, OMIM 162200. Disease mechanism: loss of function.

Submission:

Labcorp Genetics (formerly Invitae), Labcorp
Classification: Pathogenic for Neurofibromatosis, type 1. Last evaluated: 2024-12-31. Review status: criteria provided, single submitter. Criteria: Invitae Variant Classification Sherloc (09022015). Collection method: clinical testing. Allele origin: germline.
Comment: This sequence change creates a premature translational stop signal (p.Asp2715Metfs*3) in the NF1 gene. It is expected to result in an absent or disrupted protein product. Loss-of-function variants in NF1 are known to be pathogenic (PMID: 10712197, 23913538). This variant is not present in population databases (gnomAD no frequency). This variant has not been reported in the literature in individuals affected with NF1-related conditions. For these reasons, this variant has been classified as Pathogenic.

Literature cited by the submitters: PubMed 10712197; PubMed 23913538.